The following is an entry in ClinVar:

NM_213655.5(WNK1):c.2582T>C (p.Leu861Pro)

Gene: WNK1 (WNK lysine deficient protein kinase 1; plus strand). Cytogenetic location: 12p13.33.
Variant type: single nucleotide variant.
Coding change: c.2582T>C on transcript NM_213655.5 (MANE Plus Clinical); coding-DNA position 2582, T replaced by C.
Protein change: p.Leu861Pro; replaces leucine 861 with proline.
Molecular consequence: missense variant. On other transcripts: intron variant (2).
Genome position (GRCh38, 1-based): chr12:868,053, T>C. VCF-style: chr12-868053-T-C. GRCh37 (hg19) VCF-style: chr12-977219-T-C.
Other names: c.2327T>C, p.Leu776Pro (NM_001184985.2); c.2140-3212T>C (NM_018979.4, NM_014823.3); short protein forms L861P, L776P.
Identifiers: ClinVar variation 1974683 (VCV001974683.5), dbSNP rs2548783080, ClinGen allele CA383339188.

ClinVar aggregate classification (germline): Uncertain significance (1 of 4 stars; one submission).

Conditions:
Neuropathy, hereditary sensory and autonomic, type 2A (HSAN2A). Also called: HSAN IIA; WNK1-Related HSAN2 (HSAN2A); ACROOSTEOLYSIS, GIACCAI TYPE; ACROOSTEOLYSIS, NEUROGENIC; MORVAN DISEASE; NEUROPATHY, CONGENITAL SENSORY. Identifiers: Orphanet 970, MedGen C2752089, MONDO:0024309, OMIM 201300.
Pseudohypoaldosteronism type 2C (PHA2C). Also called: Pseudohypoaldosteronism Type IIC. Identifiers: Orphanet 757, Orphanet 88940, MedGen C1840391, MONDO:0013778, OMIM 614492.

Submission:

Labcorp Genetics (formerly Invitae), Labcorp
Classification: Uncertain significance for Neuropathy, hereditary sensory and autonomic, type 2A; Pseudohypoaldosteronism type 2C. Last evaluated: 2022-11-07. Review status: criteria provided, single submitter. Criteria: Invitae Variant Classification Sherloc (09022015). Collection method: clinical testing. Allele origin: germline.
Comment: In summary, the available evidence is currently insufficient to determine the role of this variant in disease. Therefore, it has been classified as a Variant of Uncertain Significance. Advanced modeling of protein sequence and biophysical properties (such as structural, functional, and spatial information, amino acid conservation, physicochemical variation, residue mobility, and thermodynamic stability) performed at Invitae indicates that this missense variant is not expected to disrupt WNK1 protein function. This variant has not been reported in the literature in individuals affected with WNK1-related conditions. This variant is not present in population databases (gnomAD no frequency). This sequence change replaces leucine, which is neutral and non-polar, with proline, which is neutral and non-polar, at codon 861 of the WNK1 protein (p.Leu861Pro).